The following is an entry in ClinVar:

ClinVar aggregate classification (germline): Likely benign (1 of 4 stars; one submission).

Conditions:
Interstitial lung disease due to ABCA3 deficiency. Also called: PULMONARY ALVEOLAR PROTEINOSIS, CONGENITAL, 3. Identifiers: Orphanet 440402, MedGen C1970456, MONDO:0012582, OMIM 610921.

Allele frequency attached by ClinVar (database versions not stated): gnomAD exomes 0.00071; 1000 Genomes Project 0.00399; 1000 Genomes Project 30x 0.00406; gnomAD 0.00439 and 0.00484; TOPMed 0.00485.
gnomAD v4.1: 764 of 298,074 alleles (0.26%); highest among the groups gnomAD compares: African/African-American, 1.5%; 5 homozygotes.

Submission:

Illumina Laboratory Services, Illumina
Classification: Likely benign for Interstitial lung disease due to ABCA3 deficiency. Last evaluated: 2018-01-13. Review status: criteria provided, single submitter. Criteria: ICSL Variant Classification Criteria 13 December 2019. Collection method: clinical testing. Allele origin: germline.
Comment: This variant was observed in the ICSL laboratory as part of a predisposition screen in an ostensibly healthy population. It had not been previously curated by ICSL or reported in the Human Gene Mutation Database (HGMD: prior to June 1st, 2018), and was therefore a candidate for classification through an automated scoring system. Utilizing variant allele frequency, disease prevalence and penetrance estimates, and inheritance mode, an automated score was calculated to assess if this variant is too frequent to cause the disease. Based on the score and internal cut-off values, a variant classified as likely benign is not then subjected to further curation. The score for this variant resulted in a classification of likely benign for this disease.

NM_001089.3(ABCA3):c.-331C>G

Gene: ABCA3 (ATP binding cassette subfamily A member 3; minus strand). Cytogenetic location: 16p13.3.
Variant type: single nucleotide variant.
Coding change: c.-331C>G on transcript NM_001089.3 (MANE Select); 331 bases upstream of the start codon, C replaced by G.
Molecular consequence: 5 prime UTR variant.
Genome position (GRCh38, 1-based): chr16:2,328,757, G>C on the plus strand (C>G on the coding strand, the complement: ABCA3 is on the minus strand). VCF-style: chr16-2328757-G-C. GRCh37 (hg19) VCF-style: chr16-2378758-G-C.
Identifiers: ClinVar variation 318591 (VCV000318591.5), dbSNP rs45498101, ClinGen allele CA10648106.